The following is an entry in ClinVar:

NM_006648.4(WNK2):c.5333C>A (p.Ala1778Asp)

Gene: WNK2 (WNK lysine deficient protein kinase 2; plus strand). Cytogenetic location: 9q22.31.
Variant type: single nucleotide variant.
Coding change: c.5333C>A on transcript NM_006648.4 (MANE Select); coding-DNA position 5333, C replaced by A.
Protein change: p.Ala1778Asp; replaces alanine 1778 with aspartic acid.
Molecular consequence: missense variant.
Genome position (GRCh38, 1-based): chr9:93,292,798, C>A. VCF-style: chr9-93292798-C-A. GRCh37 (hg19) VCF-style: chr9-96055080-C-A.
Other names: c.5444C>A, p.Ala1815Asp (NM_001282394.3); short protein forms A1778D, A1815D.
Identifiers: ClinVar variation 3190651 (VCV003190651.2), dbSNP rs373477898, ClinGen allele CA5130564.

ClinVar aggregate classification (germline): Uncertain significance (1 of 4 stars; one submission).

Allele frequency attached by ClinVar (database versions not stated): TOPMed 0.00002; gnomAD 0.00003; ExAC 0.00005; ESP Exome Variant Server 0.00016.
gnomAD v4.1: 43 of 1,540,360 alleles (0.0028%); highest among the groups gnomAD compares: Non-Finnish European, 0.0036%; no homozygotes.

Submission:

Ambry Genetics
Classification: Uncertain significance. Last evaluated: 2024-11-23. Review status: criteria provided, single submitter. Criteria: Ambry Variant Classification Scheme 2023. Collection method: clinical testing. Allele origin: germline.
Comment: The p.A1778D variant (also known as c.5333C>A), located in coding exon 22 of the WNK2 gene, results from a C to A substitution at nucleotide position 5333. The alanine at codon 1778 is replaced by aspartic acid, an amino acid with dissimilar properties. This amino acid position is conserved. In addition, this alteration is predicted to be tolerated by in silico analysis. Based on the available evidence, the clinical significance of this variant remains unclear.